The following is an entry in ClinVar:

ClinVar aggregate classification (germline): Uncertain significance. Review status: criteria provided, multiple submitters, no conflicts (2 of 4 stars). 3 submissions from 3 submitters: Uncertain significance (3). Last evaluated 2026-04-15.

Conditions:
CEP164-related disorder. Also called: CEP164-related condition.
Nephronophthisis 15 (NPHP15). Identifiers: Orphanet 3156, MedGen C3541853, MONDO:0013917, OMIM 614845.

Allele frequency attached by ClinVar (database versions not stated): gnomAD exomes below 0.00001 and 0.00002; TOPMed 0.00001; gnomAD 0.00004.
gnomAD v4.1: 80 of 1,614,144 alleles (0.005%); highest among the groups gnomAD compares: African/African-American, 0.044%; 2 homozygotes.

Submissions (3):

PreventionGenetics, part of Exact Sciences
Classification: Uncertain significance for CEP164-related condition. Last evaluated: 2026-04-15. Review status: criteria provided, single submitter. Criteria: ACMG Guidelines, 2015. Collection method: clinical testing. Allele origin: germline.
Comment: The CEP164 c.1607G>A variant is predicted to result in the amino acid substitution p.Cys536Tyr. To our knowledge, this variant has not been reported in the literature. This variant is reported in 0.0062% of alleles in individuals of African descent in gnomAD. At this time, the clinical significance of this variant is uncertain due to the absence of conclusive functional and genetic evidence.

Labcorp Genetics (formerly Invitae), Labcorp
Classification: Uncertain significance for Nephronophthisis 15. Last evaluated: 2025-06-12. Review status: criteria provided, single submitter. Criteria: Invitae Variant Classification Sherloc (09022015). Collection method: clinical testing. Allele origin: germline.
Comment: This sequence change replaces cysteine, which is neutral and slightly polar, with tyrosine, which is neutral and polar, at codon 536 of the CEP164 protein (p.Cys536Tyr). This variant is present in population databases (rs112527080, gnomAD 0.007%). This variant has not been reported in the literature in individuals affected with CEP164-related conditions. ClinVar contains an entry for this variant (Variation ID: 1043992). An algorithm developed to predict the effect of missense changes on protein structure and function (PolyPhen-2) suggests that this variant is likely to be tolerated. In summary, the available evidence is currently insufficient to determine the role of this variant in disease. Therefore, it has been classified as a Variant of Uncertain Significance.

Fulgent Genetics
Classification: Uncertain significance for Nephronophthisis 15. Last evaluated: 2022-01-18. Review status: criteria provided, single submitter. Criteria: ACMG Guidelines, 2015. Collection method: clinical testing. Allele origin: unknown.

NM_014956.5(CEP164):c.1607G>A (p.Cys536Tyr)

Gene: CEP164 (centrosomal protein 164; plus strand). Cytogenetic location: 11q23.3.
Variant type: single nucleotide variant.
Coding change: c.1607G>A on transcript NM_014956.5 (MANE Select); coding-DNA position 1607, G replaced by A.
Protein change: p.Cys536Tyr; replaces cysteine 536 with tyrosine.
Molecular consequence: missense variant.
Genome position (GRCh38, 1-based): chr11:117,382,825, G>A. VCF-style: chr11-117382825-G-A. GRCh37 (hg19) VCF-style: chr11-117253541-G-A.
Other names: c.1616G>A, p.Cys539Tyr (NM_001271933.2); c.1607G>A (NM_014956.4); short protein forms C536Y, C539Y.
Identifiers: ClinVar variation 1043992 (VCV001043992.8), dbSNP rs112527080, ClinGen allele CA229353499.